The following is an entry in ClinVar:

NM_000531.6(OTC):c.640C>T (p.His214Tyr)

Gene: OTC (ornithine transcarbamylase; plus strand). Cytogenetic location: Xp11.4.
Variant type: single nucleotide variant.
Coding change: c.640C>T on transcript NM_000531.6 (MANE Select); coding-DNA position 640, C replaced by T.
Protein change: p.His214Tyr; replaces histidine 214 with tyrosine.
Molecular consequence: missense variant.
Genome position (GRCh38, 1-based): chrX:38,403,717, C>T. VCF-style: chrX-38403717-C-T. GRCh37 (hg19) VCF-style: chrX-38262970-C-T.
Other names: short protein forms H214Y.
Identifiers: ClinVar variation 97277 (VCV000097277.3), dbSNP rs72558420, ClinGen allele CA224720.

ClinVar aggregate classification (germline): Likely pathogenic. Review status: criteria provided, single submitter (1 of 4 stars). 2 submissions from 2 submitters: Likely pathogenic (1). 1 of the submissions does not count toward it. Last evaluated 2025-11-12.

Conditions:
Ornithine carbamoyltransferase deficiency (OTCD). Also called: ORNITHINE TRANSCARBAMYLASE DEFICIENCY, HYPERAMMONEMIA DUE TO; ORNITHINE TRANSCARBAMYLASE DEFICIENCY; OTC DEFICIENCY; Ornithine Carbamoyltransferase Deficiency Disease. Identifiers: Orphanet 664, MedGen C0268542, MONDO:0010703, OMIM 311250.

Submissions (2):

Labcorp Genetics (formerly Invitae), Labcorp
Classification: Likely pathogenic for Ornithine carbamoyltransferase deficiency. Last evaluated: 2025-11-12. Review status: criteria provided, single submitter. Criteria: Invitae Variant Classification Sherloc (09022015). Collection method: clinical testing. Allele origin: germline.
Comment: This sequence change replaces histidine, which is basic and polar, with tyrosine, which is neutral and polar, at codon 214 of the OTC protein (p.His214Tyr). This variant is not present in population databases (gnomAD no frequency). This missense change has been observed in individual(s) with ornithine transcarbamylase deficiency (PMID: 17041896; internal data). ClinVar contains an entry for this variant (Variation ID: 97277). Invitae Evidence Modeling of protein sequence and biophysical properties (such as structural, functional, and spatial information, amino acid conservation, physicochemical variation, residue mobility, and thermodynamic stability) indicates that this missense variant is expected to disrupt OTC protein function with a positive predictive value of 95%. Experimental studies have shown that this missense change affects OTC function (PMID: 17041896, 37146589). In summary, the currently available evidence indicates that the variant is pathogenic, but additional data are needed to prove that conclusively. Therefore, this variant has been classified as Likely Pathogenic.

GenMed Metabolism Lab
Classification: Pathogenic. Review status: no assertion criteria provided. Collection method: not provided. Allele origin: unknown. Not counted in ClinVar's aggregate classification.
Comment: p.His214Tyr, Neonatal
ClinVar note: Converted during submission from pathogenic to Pathogenic.

Literature cited by the submitters: PubMed 17041896 (cited by Labcorp Genetics (formerly Invitae), Labcorp); PubMed 37146589 (cited by Labcorp Genetics (formerly Invitae), Labcorp).